The following is an entry in ClinVar:

ClinVar aggregate classification (germline): Uncertain significance (1 of 4 stars; one submission).

Submission:

CeGaT Center for Human Genetics Tuebingen
Classification: Uncertain significance. Last evaluated: 2026-09-01. Review status: criteria provided, single submitter. Criteria: CeGaT Center For Human Genetics Tuebingen Variant Classification Criteria Version 2. Collection method: clinical testing. Allele origin: germline. Affected: yes. Observed: 1 variant allele.
Comment: SCN8A: PM2, PP2, PP3

NM_001330260.2(SCN8A):c.4006A>G (p.Ile1336Val)

Gene: SCN8A (sodium voltage-gated channel alpha subunit 8; plus strand). Cytogenetic location: 12q13.13.
Variant type: single nucleotide variant.
Coding change: c.4006A>G on transcript NM_001330260.2 (MANE Select); coding-DNA position 4006, A replaced by G.
Protein change: p.Ile1336Val; replaces isoleucine 1336 with valine.
Molecular consequence: missense variant.
Genome position (GRCh38, 1-based): chr12:51,786,605, A>G. VCF-style: chr12-51786605-A-G. GRCh37 (hg19) VCF-style: chr12-52180389-A-G.
Other names: c.3883A>G, p.Ile1295Val (NM_001177984.3, NM_001369788.1); c.4006A>G, p.Ile1336Val (NM_014191.4); short protein forms I1295V, I1336V.
Identifiers: ClinVar variation 5041802 (VCV005041802.1).